The following is an entry in ClinVar:

NM_004168.4(SDHA):c.1942A>G (p.Thr648Ala)

Gene: SDHA (succinate dehydrogenase complex flavoprotein subunit A; plus strand). Cytogenetic location: 5p15.33.
Variant type: single nucleotide variant.
Coding change: c.1942A>G on transcript NM_004168.4 (MANE Select); coding-DNA position 1942, A replaced by G.
Protein change: p.Thr648Ala; replaces threonine 648 with alanine.
Molecular consequence: missense variant.
Genome position (GRCh38, 1-based): chr5:256,367, A>G. VCF-style: chr5-256367-A-G. GRCh37 (hg19) VCF-style: chr5-256482-A-G.
Other names: c.1798A>G, p.Thr600Ala (NM_001294332.2); c.1699A>G, p.Thr567Ala (NM_001330758.2); short protein forms T567A, T648A, T600A.
Identifiers: ClinVar variation 3438695 (VCV003438695.1).

ClinVar aggregate classification (germline): Uncertain significance (1 of 4 stars; one submission).

Conditions:
Hereditary cancer-predisposing syndrome. Also called: Tumor predisposition; Neoplastic Syndromes, Hereditary; Hereditary neoplastic syndrome; Hereditary Cancer Syndrome. Identifiers: Orphanet 140162, MedGen C0027672, MeSH D009386, MONDO:0015356.

Submission:

Ambry Genetics
Classification: Uncertain significance for Hereditary cancer-predisposing syndrome. Last evaluated: 2024-09-10. Review status: criteria provided, single submitter. Criteria: Ambry Variant Classification Scheme 2023. Collection method: clinical testing. Allele origin: germline.
Comment: The p.T648A variant (also known as c.1942A>G), located in coding exon 15 of the SDHA gene, results from an A to G substitution at nucleotide position 1942. The threonine at codon 648 is replaced by alanine, an amino acid with similar properties. This amino acid position is conserved. In addition, the in silico prediction for this alteration is inconclusive. Based on the available evidence, the clinical significance of this variant remains unclear.